The following is an entry in ClinVar:

ClinVar aggregate classification (germline): Pathogenic. Review status: criteria provided, multiple submitters, no conflicts (2 of 4 stars). 2 submissions from 2 submitters: Pathogenic (2). Last evaluated 2023-09-28.

Conditions:
Duchenne muscular dystrophy (DMD). Also called: MUSCULAR DYSTROPHY, PSEUDOHYPERTROPHIC PROGRESSIVE, DUCHENNE TYPE; Duchenne Muscular Dystrophy (DMD). Identifiers: Orphanet 98896, MedGen C0013264, MONDO:0010679, OMIM 310200.

Submissions (2):

Labcorp Genetics (formerly Invitae), Labcorp
Classification: Pathogenic for Duchenne muscular dystrophy. Last evaluated: 2023-09-28. Review status: criteria provided, single submitter. Criteria: Invitae Variant Classification Sherloc (09022015). Collection method: clinical testing. Allele origin: germline.
Comment: This sequence change creates a premature translational stop signal (p.Tyr1882*) in the DMD gene. It is expected to result in an absent or disrupted protein product. Loss-of-function variants in DMD are known to be pathogenic (PMID: 16770791, 25007885). This variant is not present in population databases (gnomAD no frequency). This premature translational stop signal has been observed in individual(s) with clinical features of Becker/Duchenne muscular dystrophy (PMID: 19937601, 32358784). For these reasons, this variant has been classified as Pathogenic.

Clinical Biomedical Laboratory, Shriners Hospital For Children - Canada
Classification: Pathogenic for Duchenne muscular dystrophy. Review status: criteria provided, single submitter. Criteria: ACMG Guidelines, 2015. Collection method: clinical testing. Allele origin: germline. Affected: yes.
Comment: This variant is predicted to introduce a stop codon in exon 40 of DMD. This is expected to lead to degradation of the affected transcript and loss of function of the affected allele. This variant is absent from the Genome Aggregation Database (v2.1.1.), indicating it is very rare. Based on the ACMG variant interpretation guidelines (criteria: PVS1, PM2, PP3, PM6), the available evidence supports classification of this variant as pathogenic.

Literature cited by the submitters: PubMed 16770791 (cited by Labcorp Genetics (formerly Invitae), Labcorp); PubMed 25007885 (cited by Labcorp Genetics (formerly Invitae), Labcorp); PubMed 19937601 (cited by Labcorp Genetics (formerly Invitae), Labcorp); PubMed 32358784 (cited by Labcorp Genetics (formerly Invitae), Labcorp).

NM_004006.3(DMD):c.5646C>A (p.Tyr1882Ter)

Gene: DMD (dystrophin; minus strand). Cytogenetic location: Xp21.1.
Variant type: single nucleotide variant.
Coding change: c.5646C>A on transcript NM_004006.3 (MANE Select); coding-DNA position 5646, C replaced by A.
Protein change: p.Tyr1882Ter; replaces tyrosine 1882 with a stop codon.
Molecular consequence: nonsense.
Genome position (GRCh38, 1-based): chrX:32,343,227, G>T on the plus strand (C>A on the coding strand, the complement: DMD is on the minus strand). VCF-style: chrX-32343227-G-T. GRCh37 (hg19) VCF-style: chrX-32361344-G-T.
Other names: c.5622C>A, p.Tyr1874Ter (NM_000109.4); c.5634C>A, p.Tyr1878Ter (NM_004009.3); c.5277C>A, p.Tyr1759Ter (NM_004010.3); c.1623C>A, p.Tyr541Ter (NM_004011.4); c.1614C>A, p.Tyr538Ter (NM_004012.4); short protein forms Y1759*, Y1874*, Y1878*, Y1882*, Y538*, Y541*.
Identifiers: ClinVar variation 2737153 (VCV002737153.4), dbSNP rs2097753394, ClinGen allele CA412666083.